The following is an entry in ClinVar:

ClinVar aggregate classification (germline): Uncertain significance (1 of 4 stars; one submission).

Submission:

CeGaT Center for Human Genetics Tuebingen
Classification: Uncertain significance. Last evaluated: 2023-01-01. Review status: criteria provided, single submitter. Criteria: CeGaT Center For Human Genetics Tuebingen Variant Classification Criteria Version 2. Collection method: clinical testing. Allele origin: germline. Affected: yes. Observed: 1 variant allele.
Comment: COPA: PM2, BP4

NM_004371.4(COPA):c.497-7T>G

Gene: COPA (coat protein complex I subunit alpha; minus strand). Cytogenetic location: 1q23.2.
Variant type: single nucleotide variant.
Coding change: c.497-7T>G on transcript NM_004371.4 (MANE Select); 7 bases into the intron before coding-DNA position 497, T replaced by G.
Molecular consequence: intron variant.
Genome position (GRCh38, 1-based): chr1:160,325,659, A>C on the plus strand (T>G on the coding strand, the complement: COPA is on the minus strand). VCF-style: chr1-160325659-A-C. GRCh37 (hg19) VCF-style: chr1-160295449-A-C.
Other names: c.497-7T>G (NM_001098398.2).
Identifiers: ClinVar variation 2639501 (VCV002639501.24), dbSNP rs2525439490, ClinGen allele CA2695199899.